The following is an entry in ClinVar:

ClinVar aggregate classification (germline): Pathogenic (1 of 4 stars; one submission).

Submission:

GeneDx
Classification: Pathogenic. Last evaluated: 2019-11-06. Review status: criteria provided, single submitter. Criteria: GeneDx Variant Classification Process June 2021. Collection method: clinical testing. Allele origin: germline. Affected: yes.
Comment: Frameshift variant predicted to result in protein truncation or nonsense mediated decay in a gene for which loss-of-function is a known mechanism of disease; Not observed in large population cohorts (Lek et al., 2016); Has not been previously published as pathogenic or benign to our knowledge

NM_001374828.1(ARID1B):c.1563del (p.Glu522fs)

Gene: ARID1B (AT-rich interaction domain 1B; plus strand). Cytogenetic location: 6q25.3.
Variant type: Deletion.
Coding change: c.1563del on transcript NM_001374828.1 (MANE Select); coding-DNA position 1563, one base deleted (C; older notation c.1563delC).
Protein change: p.Glu522fs; shifts the reading frame from glutamic acid 522.
Molecular consequence: frameshift variant.
Genome position (GRCh38, 1-based): chr6:156,779,243, C deleted; the last of 4 consecutive C bases (chr6:156,779,240-156,779,243); deleting any one gives the same sequence. VCF-style (leftmost placement, unchanged base first): chr6-156779239-AC-A. GRCh37 (hg19) VCF-style: chr6-157100373-AC-A.
Other names: c.1314delC (NM_020732.3); c.1314del (NM_020732.3); c.1563del, p.Glu522fs (NM_001371656.1, NM_001374820.1, NM_017519.3); short protein forms E522fs.
Identifiers: ClinVar variation 817193 (VCV000817193.2), dbSNP rs1303418808, ClinGen allele CA571907154.